The following is an entry in ClinVar:

NM_032043.3(BRIP1):c.817A>G (p.Met273Val)

Gene: BRIP1 (BRCA1 interacting DNA helicase 1; minus strand). Cytogenetic location: 17q23.2.
Variant type: single nucleotide variant.
Coding change: c.817A>G on transcript NM_032043.3 (MANE Select); coding-DNA position 817, A replaced by G.
Protein change: p.Met273Val; replaces methionine 273 with valine.
Molecular consequence: missense variant.
Genome position (GRCh38, 1-based): chr17:61,808,568, T>C on the plus strand (A>G on the coding strand, the complement: BRIP1 is on the minus strand). VCF-style: chr17-61808568-T-C. GRCh37 (hg19) VCF-style: chr17-59885929-T-C.
Other names: short protein forms M273V.
Identifiers: ClinVar variation 827489 (VCV000827489.17), dbSNP rs587781797, ClinGen allele CA400484855.
Genomic context (GRCh38, chr17:61,808,568, plus strand): 5'-TGAAGTTACCGACTACCTCAGGATGGACACAAGTATGATCCCTGCTGGAAAGAATAGTCA[T>C]TGGAACCCCTGAATATGCCGTCCTCCGGAGCTCTCTAGTAATCTGAGCAATCTGCTTGTG-3'
Protein context (NP_114432.2, residues 263-283): LRRTAYSGVP[Met273Val]TILSSRDHTC

ClinVar aggregate classification (germline): Uncertain significance. Review status: criteria provided, multiple submitters, no conflicts (2 of 4 stars). 4 submissions from 4 submitters: Uncertain significance (4). Last evaluated 2024-08-19.

Conditions:
Hereditary cancer-predisposing syndrome. Also called: Neoplastic Syndromes, Hereditary; Hereditary Cancer Syndrome; Hereditary neoplastic syndrome; Tumor predisposition. Identifiers: Orphanet 140162, MedGen C0027672, MeSH D009386, MONDO:0015356.
Familial cancer of breast. Also called: hereditary breast carcinoma; BREAST CANCER, FAMILIAL; Hereditary breast cancer. Identifiers: Orphanet 227535, MedGen C0346153, MONDO:0016419, OMIM 114480. Disease mechanism: loss of function.
Fanconi anemia complementation group J. Also called: BRIP1-Related Fanconi Anemia. Identifiers: Orphanet 84, MedGen C1836860, MONDO:0012187, OMIM 609054.

gnomAD v4.1: 1 of 1,613,748 alleles (0.000062%); no homozygotes.

Submissions (4):

Ambry Genetics
Classification: Uncertain significance for Hereditary cancer-predisposing syndrome. Last evaluated: 2024-08-19. Review status: criteria provided, single submitter. Criteria: Ambry Variant Classification Scheme 2023. Collection method: clinical testing. Allele origin: germline.
Comment: The p.M273V variant (also known as c.817A>G), located in coding exon 6 of the BRIP1 gene, results from an A to G substitution at nucleotide position 817. The methionine at codon 273 is replaced by valine, an amino acid with highly similar properties. This variant was identified in a cohort of 882 Chinese individuals with a personal and/or family history of breast or ovarian cancers who underwent multi-gene panel testing for HBOC risk assessment (Shao D et al. Cancer Sci, 2020 Feb;111:647-657). This amino acid position is highly conserved in available vertebrate species. In addition, the in silico prediction for this alteration is inconclusive. Since supporting evidence is limited at this time, the clinical significance of this alteration remains unclear.

GeneDx
Classification: Uncertain significance. Last evaluated: 2024-06-12. Review status: criteria provided, single submitter. Criteria: GeneDx Variant Classification Process June 2021. Collection method: clinical testing. Allele origin: germline. Affected: yes.
Comment: Observed in a cohort of individuals with a personal and/or family history of breast and/or ovarian cancer (PMID: 31742824); Not observed at significant frequency in large population cohorts (gnomAD); In silico analysis supports that this missense variant has a deleterious effect on protein structure/function; This variant is associated with the following publications: (PMID: 31742824)

Labcorp Genetics (formerly Invitae), Labcorp
Classification: Uncertain significance for Familial cancer of breast; Fanconi anemia complementation group J. Last evaluated: 2024-03-13. Review status: criteria provided, single submitter. Criteria: Invitae Variant Classification Sherloc (09022015). Collection method: clinical testing. Allele origin: germline.
Comment: This sequence change replaces methionine, which is neutral and non-polar, with valine, which is neutral and non-polar, at codon 273 of the BRIP1 protein (p.Met273Val). This variant is not present in population databases (gnomAD no frequency). This variant has not been reported in the literature in individuals affected with BRIP1-related conditions. ClinVar contains an entry for this variant (Variation ID: 827489). Advanced modeling of protein sequence and biophysical properties (such as structural, functional, and spatial information, amino acid conservation, physicochemical variation, residue mobility, and thermodynamic stability) performed at Invitae indicates that this missense variant is expected to disrupt BRIP1 protein function with a positive predictive value of 80%. In summary, the available evidence is currently insufficient to determine the role of this variant in disease. Therefore, it has been classified as a Variant of Uncertain Significance.

Department of Pathology and Laboratory Medicine, Sinai Health System
Classification: Uncertain significance for Familial cancer of breast. Last evaluated: 2022-01-25. Review status: criteria provided, single submitter. Criteria: ACMG Guidelines, 2015. Collection method: clinical testing. Allele origin: germline. Affected: yes.

Literature cited by the submitters: PubMed 31742824 (cited by Ambry Genetics).